The following is an entry in ClinVar:

ClinVar aggregate classification (germline): Uncertain significance (1 of 4 stars; one submission).

Conditions:
RYR1-related disorder. Also called: RYR1-related condition; RYR1-related disorders. Identifiers: MedGen CN239331.

Allele frequency attached by ClinVar (database versions not stated): gnomAD exomes below 0.00001; gnomAD 0.00001; TOPMed 0.00001.
gnomAD v4.1: 4 of 1,613,366 alleles (0.00025%); highest among the groups gnomAD compares: African/African-American, 0.0053%; no homozygotes.

Submission:

Labcorp Genetics (formerly Invitae), Labcorp
Classification: Uncertain significance for RYR1-related disorder. Last evaluated: 2023-07-08. Review status: criteria provided, single submitter. Criteria: Invitae Variant Classification Sherloc (09022015). Collection method: clinical testing. Allele origin: germline.
Comment: This sequence change replaces asparagine, which is neutral and polar, with aspartic acid, which is acidic and polar, at codon 2284 of the RYR1 protein (p.Asn2284Asp). This variant is present in population databases (no rsID available, gnomAD 0.01%). This variant has not been reported in the literature in individuals affected with RYR1-related conditions. Advanced modeling of protein sequence and biophysical properties (such as structural, functional, and spatial information, amino acid conservation, physicochemical variation, residue mobility, and thermodynamic stability) performed at Invitae indicates that this missense variant is expected to disrupt RYR1 protein function. In summary, the available evidence is currently insufficient to determine the role of this variant in disease. Therefore, it has been classified as a Variant of Uncertain Significance.

NM_000540.3(RYR1):c.6850A>G (p.Asn2284Asp)

Gene: RYR1 (ryanodine receptor 1; plus strand). Cytogenetic location: 19q13.2.
Variant type: single nucleotide variant.
Coding change: c.6850A>G on transcript NM_000540.3 (MANE Select); coding-DNA position 6850, A replaced by G.
Protein change: p.Asn2284Asp; replaces asparagine 2284 with aspartic acid.
Molecular consequence: missense variant.
Genome position (GRCh38, 1-based): chr19:38,496,913, A>G. VCF-style: chr19-38496913-A-G. GRCh37 (hg19) VCF-style: chr19-38987553-A-G.
Other names: c.6850A>G, p.Asn2284Asp (NM_001042723.2); short protein forms N2284D.
Identifiers: ClinVar variation 2913831 (VCV002913831.3), dbSNP rs1386402164, ClinGen allele CA405666559.